The following is an entry in ClinVar:

NM_177438.3(DICER1):c.275A>G (p.Asn92Ser)

Gene: DICER1 (dicer 1, ribonuclease III; minus strand). Cytogenetic location: 14q32.13.
Variant type: single nucleotide variant.
Coding change: c.275A>G on transcript NM_177438.3 (MANE Select); coding-DNA position 275, A replaced by G.
Protein change: p.Asn92Ser; replaces asparagine 92 with serine.
Molecular consequence: missense variant. On other transcripts: initiator codon variant (7), 5 prime UTR variant (2), non-coding transcript variant (6).
Genome position (GRCh38, 1-based): chr14:95,132,547, T>C on the plus strand (A>G on the coding strand, the complement: DICER1 is on the minus strand). VCF-style: chr14-95132547-T-C. GRCh37 (hg19) VCF-style: chr14-95598884-T-C.
Other names: c.275A>G, p.Asn92Ser (NM_001195573.1, NM_001271282.3, NM_001291628.2 and 15 more transcripts); c.1A>G, p.Met1Val (NM_001395686.1, NM_001395687.1, NM_001395688.1 and 4 more transcripts); c.-184A>G (NM_001395691.1); c.-1294A>G (NM_001395697.1); short protein forms M1V, N92S.
Identifiers: ClinVar variation 2681878 (VCV002681878.2), dbSNP rs1894038922, ClinGen allele CA390889715.

ClinVar aggregate classification (germline): Uncertain significance. Review status: criteria provided, multiple submitters, no conflicts (2 of 4 stars). 2 submissions from 2 submitters: Uncertain significance (2). Last evaluated 2024-11-02.

Conditions:
Hereditary cancer-predisposing syndrome. Also called: Neoplastic Syndromes, Hereditary; Hereditary neoplastic syndrome; Tumor predisposition; Hereditary Cancer Syndrome. Identifiers: Orphanet 140162, MedGen C0027672, MeSH D009386, MONDO:0015356.

Allele frequency attached by ClinVar (database versions not stated): TOPMed below 0.00001.

Submissions (2):

Ambry Genetics
Classification: Uncertain significance for Hereditary cancer-predisposing syndrome. Last evaluated: 2024-11-02. Review status: criteria provided, single submitter. Criteria: Ambry Variant Classification Scheme 2023. Collection method: clinical testing. Allele origin: germline.
Comment: The p.N92S variant (also known as c.275A>G), located in coding exon 2 of the DICER1 gene, results from an A to G substitution at nucleotide position 275. The asparagine at codon 92 is replaced by serine, an amino acid with highly similar properties. This amino acid position is conserved. In addition, this alteration is predicted to be tolerated by in silico analysis. Based on the available evidence, the clinical significance of this variant remains unclear.

Quest Diagnostics Nichols Institute San Juan Capistrano
Classification: Uncertain significance. Last evaluated: 2023-08-02. Review status: criteria provided, single submitter. Criteria: Quest Diagnostics criteria. Collection method: clinical testing. Allele origin: unknown.
Comment: To the best of our knowledge, this variant has not been reported in the published literature. It also has not been reported in large, multi-ethnic general populations (Genome Aggregation Database). Analysis of this variant using bioinformatics tools for the prediction of the effect of amino acid changes on protein structure and function yielded predictions that this variant is benign. Based on the available information, we are unable to determine the clinical significance of this variant.